The following is an entry in ClinVar:

NM_002234.4(KCNA5):c.1536G>A (p.Val512=)

Gene: KCNA5 (potassium voltage-gated channel subfamily A member 5; plus strand). Cytogenetic location: 12p13.32.
Variant type: single nucleotide variant.
Coding change: c.1536G>A on transcript NM_002234.4 (MANE Select); coding-DNA position 1536, G replaced by A.
Protein change: p.Val512=; no amino-acid change (valine 512 retained).
Molecular consequence: synonymous variant.
Genome position (GRCh38, 1-based): chr12:5,045,683, G>A. VCF-style: chr12-5045683-G-A. GRCh37 (hg19) VCF-style: chr12-5154849-G-A.
Identifiers: ClinVar variation 4759880 (VCV004759880.1).

ClinVar aggregate classification (germline): Uncertain significance (1 of 4 stars; one submission).

Conditions:
Atrial fibrillation, familial, 7 (ATFB7). Identifiers: MedGen C2677106, MONDO:0012828, OMIM 612240.

gnomAD v4.1: 3 of 1,614,044 alleles (0.00019%); highest among the groups gnomAD compares: African/African-American, 0.0027%; no homozygotes.

Submission:

Labcorp Genetics (formerly Invitae), Labcorp
Classification: Uncertain significance for Atrial fibrillation, familial, 7. Last evaluated: 2025-09-25. Review status: criteria provided, single submitter. Criteria: Invitae Variant Classification Sherloc (09022015). Collection method: clinical testing. Allele origin: germline.
Comment: This sequence change affects codon 512 of the KCNA5 mRNA. It is a 'silent' change, meaning that it does not change the encoded amino acid sequence of the KCNA5 protein. This variant is present in population databases (rs774013325, gnomAD 0.0009%). This variant has not been reported in the literature in individuals affected with KCNA5-related conditions. In summary, the available evidence is currently insufficient to determine the role of this variant in disease. Therefore, it has been classified as a Variant of Uncertain Significance.